The following is an entry in ClinVar:

ClinVar aggregate classification (germline): Uncertain significance (1 of 4 stars; one submission).

Submission:

Labcorp Genetics (formerly Invitae), Labcorp
Classification: Uncertain significance. Last evaluated: 2022-03-14. Review status: criteria provided, single submitter. Criteria: Invitae Variant Classification Sherloc (09022015). Collection method: clinical testing. Allele origin: germline.
Comment: This variant has not been reported in the literature in individuals affected with TULP1-related conditions. This sequence change replaces asparagine, which is neutral and polar, with histidine, which is basic and polar, at codon 469 of the TULP1 protein (p.Asn469His). This variant is not present in population databases (gnomAD no frequency). Algorithms developed to predict the effect of missense changes on protein structure and function are either unavailable or do not agree on the potential impact of this missense change (SIFT: "Not Available"; PolyPhen-2: "Probably Damaging"; Align-GVGD: "Not Available"). In summary, the available evidence is currently insufficient to determine the role of this variant in disease. Therefore, it has been classified as a Variant of Uncertain Significance.

NM_003322.6(TULP1):c.1405A>C (p.Asn469His)

Gene: TULP1 (TUB like protein 1; minus strand). Cytogenetic location: 6p21.31.
Variant type: single nucleotide variant.
Coding change: c.1405A>C on transcript NM_003322.6 (MANE Select); coding-DNA position 1405, A replaced by C.
Protein change: p.Asn469His; replaces asparagine 469 with histidine.
Molecular consequence: missense variant.
Genome position (GRCh38, 1-based): chr6:35,500,071, T>G on the plus strand (A>C on the coding strand, the complement: TULP1 is on the minus strand). VCF-style: chr6-35500071-T-G. GRCh37 (hg19) VCF-style: chr6-35467848-T-G.
Other names: c.1246A>C, p.Asn416His (NM_001289395.2); short protein forms N469H, N416H.
Identifiers: ClinVar variation 2111695 (VCV002111695.4), dbSNP rs1768800199, ClinGen allele CA363778788.